The following is an entry in ClinVar:

ClinVar aggregate classification (germline): Uncertain significance. Review status: criteria provided, single submitter (1 of 4 stars). 2 submissions from 2 submitters: Uncertain significance (1). 1 of the submissions does not count toward it. Last evaluated 2024-12-02.

Conditions:
Developmental and epileptic encephalopathy. Identifiers: MedGen C5779964, MONDO:0100620.
CACNA2D2-related disorder. Also called: CACNA2D2-related condition.

Allele frequency attached by ClinVar (database versions not stated): ExAC 0.00001; gnomAD 0.00001 and 0.00002; gnomAD exomes 0.00001; TOPMed 0.00002.
gnomAD v4.1: 10 of 1,612,738 alleles (0.00062%); highest among the groups gnomAD compares: Admixed American, 0.005%; no homozygotes.

Submissions (2):

Labcorp Genetics (formerly Invitae), Labcorp
Classification: Uncertain significance for Early-infantile DEE. Last evaluated: 2024-12-02. Review status: criteria provided, single submitter. Criteria: Invitae Variant Classification Sherloc (09022015). Collection method: clinical testing. Allele origin: germline.
Comment: This sequence change replaces proline, which is neutral and non-polar, with leucine, which is neutral and non-polar, at codon 1073 of the CACNA2D2 protein (p.Pro1073Leu). This variant is present in population databases (rs753600233, gnomAD 0.003%). This variant has not been reported in the literature in individuals affected with CACNA2D2-related conditions. ClinVar contains an entry for this variant (Variation ID: 656108). An algorithm developed to predict the effect of missense changes on protein structure and function (PolyPhen-2) suggests that this variant¬†is likely to be tolerated. In summary, the available evidence is currently insufficient to determine the role of this variant in disease. Therefore, it has been classified as a Variant of Uncertain Significance.

PreventionGenetics, part of Exact Sciences
Classification: Uncertain significance for CACNA2D2-related condition. Last evaluated: 2024-07-19. Review status: no assertion criteria provided. Collection method: clinical testing. Allele origin: germline. Not counted in ClinVar's aggregate classification.
Comment: The CACNA2D2 c.3218C>T variant is predicted to result in the amino acid substitution p.Pro1073Leu. To our knowledge, this variant has not been reported in the literature. This variant is reported in 0.0029% of alleles in individuals of Latino descent in gnomAD. At this time, the clinical significance of this variant is uncertain due to the absence of conclusive functional and genetic evidence.

NM_006030.4(CACNA2D2):c.3218C>T (p.Pro1073Leu)

Genes: CACNA2D2 (calcium voltage-gated channel auxiliary subunit alpha2delta 2; minus strand), LOC127898564 (CYB561D2-LOC101928965; plus strand). Cytogenetic location: 3p21.31.
Variant type: single nucleotide variant.
Coding change: c.3218C>T on transcript NM_006030.4 (MANE Select); coding-DNA position 3218, C replaced by T.
Protein change: p.Pro1073Leu; replaces proline 1073 with leucine.
Molecular consequence: missense variant.
Genome position (GRCh38, 1-based): chr3:50,364,961, G>A on the plus strand (C>T on the coding strand, the complement: CACNA2D2 is on the minus strand). VCF-style: chr3-50364961-G-A. GRCh37 (hg19) VCF-style: chr3-50402392-G-A.
Other names: c.3224C>T, p.Pro1075Leu (NM_001005505.3); c.3239C>T, p.Pro1080Leu (NM_001174051.3); c.3017C>T, p.Pro1006Leu (NM_001291101.1); short protein forms P1073L, P1075L, P1080L, P1006L.
Identifiers: ClinVar variation 656108 (VCV000656108.7), dbSNP rs753600233, ClinGen allele CA2418153.
Genomic context (GRCh38, chr3:50,364,961, plus strand): 5'-TCGAAGCAGATGTGCGGGCCTCTCCGGTATCGCGGTCTCTGCACTAGCTCACACTGCTCC[G>A]GGCCGTCCGCTGGGCATGGGTGGGGAGTCAAGGAGGCGGACGGCGGCGGCGGCACGGAGG-3'
Protein context (NP_006021.2, residues 1063-1083): LLQKETHSDG[Pro1073Leu]EQCELVQRPR